The following is an entry in ClinVar:

ClinVar aggregate classification (germline): Benign. Review status: criteria provided, multiple submitters, no conflicts (2 of 4 stars). 4 submissions from 4 submitters: Benign (3). 1 of the submissions does not count toward it. Last evaluated 2026-02-04.

Conditions:
TRPV6-related disorder. Also called: TRPV6-related condition.

Allele frequency attached by ClinVar (database versions not stated): gnomAD exomes 0.08211; ExAC 0.09871; 1000 Genomes Project 0.18830; gnomAD 0.19597; 1000 Genomes Project 30x 0.20019; TOPMed 0.21336; ESP Exome Variant Server 0.22490.
gnomAD v4.1: 150,588 of 1,614,008 alleles (9.3%); highest among the groups gnomAD compares: African/African-American, 52%; 14,783 homozygotes.

Submissions (4):

Labcorp Genetics (formerly Invitae), Labcorp
Classification: Benign. Last evaluated: 2026-02-04. Review status: criteria provided, single submitter. Criteria: Invitae Variant Classification Sherloc (09022015). Collection method: clinical testing. Allele origin: germline.

Mayo Clinic Laboratories, Mayo Clinic
Classification: Benign. Last evaluated: 2025-08-14. Review status: criteria provided, single submitter. Criteria: ACMG Guidelines, 2015. Collection method: clinical testing. Allele origin: germline. Observed: 7 variant alleles.

Blueprint Genetics
Classification: Benign. Last evaluated: 2024-11-27. Review status: criteria provided, single submitter. Criteria: ACMG Guidelines, 2015. Collection method: clinical testing. Allele origin: germline.

PreventionGenetics, part of Exact Sciences
Classification: Benign for TRPV6-related condition. Last evaluated: 2019-10-16. Review status: no assertion criteria provided. Collection method: clinical testing. Allele origin: germline. Not counted in ClinVar's aggregate classification.
Comment: This variant is classified as benign based on ACMG/AMP sequence variant interpretation guidelines (Richards et al. 2015 PMID: 25741868, with internal and published modifications).

NM_018646.6(TRPV6):c.589T>C (p.Cys197Arg)

Gene: TRPV6 (transient receptor potential cation channel subfamily V member 6; minus strand). Cytogenetic location: 7q34.
Variant type: single nucleotide variant.
Coding change: c.589T>C on transcript NM_018646.6 (MANE Select); coding-DNA position 589, T replaced by C.
Protein change: p.Cys197Arg; replaces cysteine 197 with arginine.
Molecular consequence: missense variant.
Genome position (GRCh38, 1-based): chr7:142,877,160, A>G on the plus strand (T>C on the coding strand, the complement: TRPV6 is on the minus strand). VCF-style: chr7-142877160-A-G. GRCh37 (hg19) VCF-style: chr7-142574913-A-G.
Other names: p.Cys197Arg; c.589T>C (NM_018646.5); short protein forms C197R.
Identifiers: ClinVar variation 2786655 (VCV002786655.7), dbSNP rs4987657, ClinGen allele CA4532820.